The following is an entry in ClinVar:

ClinVar aggregate classification (germline): Uncertain significance (1 of 4 stars; one submission).

Conditions:
Cohen syndrome (COH1). Also called: Cutis verticis gyrata, retinitis pigmentosa, and sensorineural deafness; PEPPER SYNDROME. Identifiers: Orphanet 193, MedGen C0265223, MONDO:0008999, OMIM 216550.

gnomAD v4.1: 1 of 1,613,966 alleles (0.000062%); no homozygotes.

Submission:

Labcorp Genetics (formerly Invitae), Labcorp
Classification: Uncertain significance for Cohen syndrome. Last evaluated: 2021-09-24. Review status: criteria provided, single submitter. Criteria: Invitae Variant Classification Sherloc (09022015). Collection method: clinical testing. Allele origin: germline.
Comment: This sequence change replaces arginine with isoleucine at codon 3621 of the VPS13B protein (p.Arg3621Ile). The arginine residue is highly conserved and there is a moderate physicochemical difference between arginine and isoleucine. This variant is not present in population databases (ExAC no frequency). This variant has not been reported in the literature in individuals affected with VPS13B-related conditions. Algorithms developed to predict the effect of missense changes on protein structure and function are either unavailable or do not agree on the potential impact of this missense change (SIFT: "Not Available"; PolyPhen-2: "Benign"; Align-GVGD: "Not Available"). In summary, the available evidence is currently insufficient to determine the role of this variant in disease. Therefore, it has been classified as a Variant of Uncertain Significance.

NM_152564.5(VPS13B):c.10787G>T (p.Arg3596Ile)

Gene: VPS13B (vacuolar protein sorting 13 homolog B; plus strand). Cytogenetic location: 8q22.2.
Variant type: single nucleotide variant.
Coding change: c.10787G>T on transcript NM_152564.5 (MANE Select); coding-DNA position 10787, G replaced by T.
Protein change: p.Arg3596Ile; replaces arginine 3596 with isoleucine.
Molecular consequence: missense variant.
Genome position (GRCh38, 1-based): chr8:99,854,176, G>T. VCF-style: chr8-99854176-G-T. GRCh37 (hg19) VCF-style: chr8-100866404-G-T.
Other names: c.10862G>T, p.Arg3621Ile (NM_017890.5); short protein forms R3596I, R3621I.
Identifiers: ClinVar variation 1957243 (VCV001957243.2), dbSNP rs1256634962, ClinGen allele CA371786044.